The following is an entry in ClinVar:

ClinVar aggregate classification (germline): Uncertain significance (1 of 4 stars; one submission).

Conditions:
CHARGE syndrome (CHARGE). Also called: Hittner Hirsch Kreh syndrome; CHARGE ASSOCIATION--COLOBOMA, HEART ANOMALY, CHOANAL ATRESIA, RETARDATION, GENITAL AND EAR ANOMALIES; Coloboma, heart anomaly, choanal atresia, retardation, genital and ear anomalies; CHARGE association; Hall-Hittner syndrome. Identifiers: Orphanet 138, MedGen C0265354, MONDO:0008965.

Submission:

Labcorp Genetics (formerly Invitae), Labcorp
Classification: Uncertain significance for CHARGE syndrome. Last evaluated: 2022-06-10. Review status: criteria provided, single submitter. Criteria: Invitae Variant Classification Sherloc (09022015). Collection method: clinical testing. Allele origin: germline.
Comment: This variant has not been reported in the literature in individuals affected with CHD7-related conditions. Advanced modeling of protein sequence and biophysical properties (such as structural, functional, and spatial information, amino acid conservation, physicochemical variation, residue mobility, and thermodynamic stability) performed at Invitae indicates that this missense variant is not expected to disrupt CHD7 protein function. In summary, the available evidence is currently insufficient to determine the role of this variant in disease. Therefore, it has been classified as a Variant of Uncertain Significance. This variant is not present in population databases (gnomAD no frequency). This sequence change replaces leucine, which is neutral and non-polar, with isoleucine, which is neutral and non-polar, at codon 2300 of the CHD7 protein (p.Leu2300Ile).

NM_017780.4(CHD7):c.6898C>A (p.Leu2300Ile)

Gene: CHD7 (chromodomain helicase DNA binding protein 7; plus strand). Cytogenetic location: 8q12.2.
Variant type: single nucleotide variant.
Coding change: c.6898C>A on transcript NM_017780.4 (MANE Select); coding-DNA position 6898, C replaced by A.
Protein change: p.Leu2300Ile; replaces leucine 2300 with isoleucine.
Molecular consequence: missense variant. On other transcripts: intron variant (1).
Genome position (GRCh38, 1-based): chr8:60,854,485, C>A. VCF-style: chr8-60854485-C-A. GRCh37 (hg19) VCF-style: chr8-61767044-C-A.
Other names: c.1717-7744C>A (NM_001316690.1); short protein forms L2300I.
Identifiers: ClinVar variation 2004553 (VCV002004553.4), dbSNP rs2488057676, ClinGen allele CA371295138.